The following is an entry in ClinVar:

NM_001134831.2(AHI1):c.313_314del (p.Gln105fs)

Gene: AHI1 (Abelson helper integration site 1; minus strand). Cytogenetic location: 6q23.3.
Variant type: Microsatellite.
Coding change: c.313_314del on transcript NM_001134831.2 (MANE Select); coding-DNA positions 313 to 314, 2 bases deleted (CA; older notation c.313_314delCA).
Protein change: p.Gln105fs; shifts the reading frame from glutamine 105.
Molecular consequence: frameshift variant.
Genome position (GRCh38, 1-based): chr6:135,466,249-135,466,250, TG deleted on the plus strand (CA on the coding strand, the reverse complement: AHI1 is on the minus strand); deleting any 2 consecutive bases within chr6:135,466,249-135,466,255 gives the same sequence; the c. name uses the placement nearest the transcript's 3' end. VCF-style (leftmost placement, unchanged base first): chr6-135466248-CTG-C. GRCh37 (hg19) VCF-style: chr6-135787386-CTG-C.
Other names: c.313_314del, p.Gln105fs (NM_001134830.2, NM_001134832.2, NM_001350503.2 and 2 more transcripts); short protein forms Q105fs.
Identifiers: ClinVar variation 2887566 (VCV002887566.4), dbSNP rs2485021515, ClinGen allele CA2739266168.

ClinVar aggregate classification (germline): Pathogenic. Review status: criteria provided, multiple submitters, no conflicts (2 of 4 stars). 2 submissions from 2 submitters: Pathogenic (2). Last evaluated 2026-07-04.

Conditions:
Joubert syndrome 3 (JBTS3). Also called: AHI1-related Ciliopathy. Identifiers: Orphanet 220493, MedGen C1837713, MONDO:0012078, OMIM 608629.
Joubert syndrome. Also called: JOUBERT-BOLTSHAUSER SYNDROME; Familial aplasia of the vermis. Identifiers: Orphanet 475, MedGen C5979921, MONDO:0018772.

Submissions (2):

Myriad Genetics, Inc.
Classification: Pathogenic for Joubert syndrome 3. Last evaluated: 2026-07-04. Review status: criteria provided, single submitter. Criteria: Myriad Autosomal Dominant, Autosomal Recessive and X-Linked Classification Criteria (2023). Collection method: clinical testing. Allele origin: unknown.
Comment: NM_001134831.1(AHI1):c.313_314delCA(Q105Vfs*4) is expected to be pathogenic in the context of Joubert syndrome, AHI1-related. This variant is predicted to lead to an abnormal or absent protein product due to the creation of a premature termination codon in AHI1, a gene where loss-of-function variants are known to be pathogenic. Please note: this variant was assessed in the context of healthy population screening.

Labcorp Genetics (formerly Invitae), Labcorp
Classification: Pathogenic for Joubert syndrome. Last evaluated: 2023-04-06. Review status: criteria provided, single submitter. Criteria: Invitae Variant Classification Sherloc (09022015). Collection method: clinical testing. Allele origin: germline.
Comment: For these reasons, this variant has been classified as Pathogenic. This variant has not been reported in the literature in individuals affected with AHI1-related conditions. This variant is not present in population databases (gnomAD no frequency). This sequence change creates a premature translational stop signal (p.Gln105Valfs*4) in the AHI1 gene. It is expected to result in an absent or disrupted protein product. Loss-of-function variants in AHI1 are known to be pathogenic (PMID: 15322546, 16453322, 28442542, 29186038).

Literature cited by the submitters: PubMed 15322546 (cited by Labcorp Genetics (formerly Invitae), Labcorp); PubMed 16453322 (cited by Labcorp Genetics (formerly Invitae), Labcorp); PubMed 28442542 (cited by Labcorp Genetics (formerly Invitae), Labcorp); PubMed 29186038 (cited by Labcorp Genetics (formerly Invitae), Labcorp).